The following is an entry in ClinVar:

NM_001081.4(CUBN):c.7363G>T (p.Asp2455Tyr)

Gene: CUBN (cubilin; minus strand). Cytogenetic location: 10p13.
Variant type: single nucleotide variant.
Coding change: c.7363G>T on transcript NM_001081.4 (MANE Select); coding-DNA position 7363, G replaced by T.
Protein change: p.Asp2455Tyr; replaces aspartic acid 2455 with tyrosine.
Molecular consequence: missense variant.
Genome position (GRCh38, 1-based): chr10:16,913,981, C>A on the plus strand (G>T on the coding strand, the complement: CUBN is on the minus strand). VCF-style: chr10-16913981-C-A. GRCh37 (hg19) VCF-style: chr10-16955980-C-A.
Other names: short protein forms D2455Y.
Identifiers: ClinVar variation 1420081 (VCV001420081.4), dbSNP rs761577575, ClinGen allele CA376145381.

ClinVar aggregate classification (germline): Uncertain significance. Review status: criteria provided, multiple submitters, no conflicts (2 of 4 stars). 2 submissions from 2 submitters: Uncertain significance (2). Last evaluated 2022-10-14.

Conditions:
Proteinuria, chronic benign. Identifiers: MedGen C5394384, MONDO:0030042, OMIM 618884.
Imerslund-Grasbeck syndrome type 1 (IGS1). Also called: Imerslund-Gräsbeck syndrome 1; Megaloblastic anemia 1, Finnish type; MEGALOBLASTIC ANEMIA, 1. Identifiers: MedGen C4016819, MONDO:0100156, OMIM 261100.
Imerslund-Grasbeck syndrome. Also called: PERNICIOUS ANEMIA, JUVENILE, DUE TO SELECTIVE INTESTINAL MALABSORPTION OF VITAMIN B12, WITH PROTEINURIA; Megaloblastic anemia due to inborn errors of metabolism; ENTEROCYTE COBALAMIN MALABSORPTION; ENTEROCYTE INTRINSIC FACTOR RECEPTOR, DEFECT OF; Imerslund-Gräsbeck syndrome. Identifiers: Orphanet 35858, MedGen C4551825, MONDO:0009853.

Allele frequency attached by ClinVar (database versions not stated): gnomAD 0.00001; TOPMed 0.00002.
gnomAD v4.1: 9 of 1,613,868 alleles (0.00056%); highest among the groups gnomAD compares: Admixed American, 0.012%; no homozygotes.

Submissions (2):

Labcorp Genetics (formerly Invitae), Labcorp
Classification: Uncertain significance for Imerslund-Grasbeck syndrome. Last evaluated: 2022-10-14. Review status: criteria provided, single submitter. Criteria: Invitae Variant Classification Sherloc (09022015). Collection method: clinical testing. Allele origin: germline.
Comment: This sequence change replaces aspartic acid, which is acidic and polar, with tyrosine, which is neutral and polar, at codon 2455 of the CUBN protein (p.Asp2455Tyr). This variant is present in population databases (no rsID available, gnomAD 0.01%). This variant has not been reported in the literature in individuals affected with CUBN-related conditions. ClinVar contains an entry for this variant (Variation ID: 1420081). Advanced modeling of protein sequence and biophysical properties (such as structural, functional, and spatial information, amino acid conservation, physicochemical variation, residue mobility, and thermodynamic stability) has been performed at Invitae for this missense variant, however the output from this modeling did not meet the statistical confidence thresholds required to predict the impact of this variant on CUBN protein function. In summary, the available evidence is currently insufficient to determine the role of this variant in disease. Therefore, it has been classified as a Variant of Uncertain Significance.

Fulgent Genetics
Classification: Uncertain significance for Imerslund-Grasbeck syndrome type 1; Proteinuria, chronic benign. Last evaluated: 2021-10-15. Review status: criteria provided, single submitter. Criteria: ACMG Guidelines, 2015. Collection method: clinical testing. Allele origin: unknown.